The following is an entry in ClinVar:

NM_182700.6(SP8):c.294G>A (p.Ala98=)

Gene: SP8 (Sp8 transcription factor; minus strand). Cytogenetic location: 7p21.1.
Variant type: single nucleotide variant.
Coding change: c.294G>A on transcript NM_182700.6 (MANE Select); coding-DNA position 294, G replaced by A.
Protein change: p.Ala98=; no amino-acid change (alanine 98 retained).
Molecular consequence: synonymous variant.
Genome position (GRCh38, 1-based): chr7:20,785,523, C>T on the plus strand (G>A on the coding strand, the complement: SP8 is on the minus strand). VCF-style: chr7-20785523-C-T. GRCh37 (hg19) VCF-style: chr7-20825142-C-T.
Other names: c.294G>A (NM_182700.4); c.240G>A, p.Ala80= (NM_198956.4).
Identifiers: ClinVar variation 3042647 (VCV003042647.3), dbSNP rs770440092, ClinGen allele CA4177957.

ClinVar aggregate classification (germline): Likely benign. Review status: criteria provided, single submitter (1 of 4 stars). 2 submissions from 2 submitters: Likely benign (1). 1 of the submissions does not count toward it. Last evaluated 2025-10-08.

Conditions:
SP8-related disorder. Also called: SP8-related condition.

Allele frequency attached by ClinVar (database versions not stated): gnomAD exomes 0.00004; TOPMed 0.00001; gnomAD 0.00002; ExAC 0.00053.

Submissions (2):

Ambry Genetics
Classification: Likely benign. Last evaluated: 2025-10-08. Review status: criteria provided, single submitter. Criteria: Ambry Variant Classification Scheme 2023. Collection method: clinical testing. Allele origin: germline.

PreventionGenetics, part of Exact Sciences
Classification: Likely benign for SP8-related condition. Last evaluated: 2020-06-22. Review status: no assertion criteria provided. Collection method: clinical testing. Allele origin: germline. Not counted in ClinVar's aggregate classification.
Comment: This variant is classified as likely benign based on ACMG/AMP sequence variant interpretation guidelines (Richards et al. 2015 PMID: 25741868, with internal and published modifications).